The following is an entry in ClinVar:

NM_000255.4(MMUT):c.2011A>G (p.Ile671Val)

Gene: MMUT (methylmalonyl-CoA mutase; minus strand). Cytogenetic location: 6p12.3.
Variant type: single nucleotide variant.
Coding change: c.2011A>G on transcript NM_000255.4 (MANE Select); coding-DNA position 2011, A replaced by G.
Protein change: p.Ile671Val; replaces isoleucine 671 with valine.
Molecular consequence: missense variant.
Genome position (GRCh38, 1-based): chr6:49,435,569, T>C on the plus strand (A>G on the coding strand, the complement: MMUT is on the minus strand). VCF-style: chr6-49435569-T-C. GRCh37 (hg19) VCF-style: chr6-49403282-T-C.
Other names: short protein forms I671V.
Identifiers: ClinVar variation 92685 (VCV000092685.43), dbSNP rs8589, ClinGen allele CA145925.

ClinVar aggregate classification (germline): Benign. Review status: criteria provided, multiple submitters, no conflicts (2 of 4 stars). 16 submissions from 16 submitters: Benign (12). 4 of the submissions do not count toward it. Last evaluated 2026-02-04.

Conditions:
Methylmalonic aciduria due to complete methylmalonyl-CoA mutase deficiency.
Methylmalonic aciduria due to methylmalonyl-CoA mutase deficiency (MAMM). Also called: Methylmalonic aciduria, mut type. Identifiers: Orphanet 27, MedGen C1855114, MONDO:0009612, OMIM 251000.

Allele frequency attached by ClinVar (database versions not stated): 1000 Genomes Project 0.54952; gnomAD 0.58823 and 0.58978; ExAC 0.57681; TOPMed 0.56825; ESP Exome Variant Server 0.60695; 1000 Genomes Project 30x 0.54856; gnomAD exomes 0.56217 and 0.60883.
gnomAD v4.1: 978,378 of 1,613,526 alleles (61%); highest among the groups gnomAD compares: South Asian, 64%; 300,357 homozygotes.

Submissions (16):

Labcorp Genetics (formerly Invitae), Labcorp
Classification: Benign. Last evaluated: 2026-02-04. Review status: criteria provided, single submitter. Criteria: Invitae Variant Classification Sherloc (09022015). Collection method: clinical testing. Allele origin: germline.

ARUP Laboratories, Molecular Genetics and Genomics, ARUP Laboratories
Classification: Benign for Methylmalonic aciduria due to methylmalonyl-CoA mutase deficiency. Last evaluated: 2025-07-28. Review status: criteria provided, single submitter. Criteria: ARUP Molecular Germline Variant Investigation Process 2024. Collection method: clinical testing. Allele origin: germline.

Blueprint Genetics
Classification: Benign. Last evaluated: 2024-11-27. Review status: criteria provided, single submitter. Criteria: ACMG Guidelines, 2015. Collection method: clinical testing. Allele origin: germline.

Mayo Clinic Laboratories, Mayo Clinic
Classification: Benign. Last evaluated: 2022-03-31. Review status: criteria provided, single submitter. Criteria: ACMG Guidelines, 2015. Collection method: clinical testing. Allele origin: germline. Observed: 80 variant alleles.

Genome-Nilou Lab
Classification: Benign for Methylmalonic aciduria due to methylmalonyl-CoA mutase deficiency. Last evaluated: 2021-09-05. Review status: criteria provided, single submitter. Criteria: ACMG Guidelines, 2015. Collection method: clinical testing. Allele origin: germline. Affected: no.

Pars Genome Lab
Classification: Benign for Methylmalonic aciduria due to methylmalonyl-CoA mutase deficiency. Last evaluated: 2021-06-19. Review status: criteria provided, single submitter. Criteria: ACMG Guidelines, 2015. Collection method: clinical testing. Allele origin: germline. Affected: no.

GeneDx
Classification: Benign. Last evaluated: 2018-12-04. Review status: criteria provided, single submitter. Criteria: GeneDx Variant Classification Process June 2021. Collection method: clinical testing. Allele origin: germline. Affected: yes.

Illumina Laboratory Services, Illumina
Classification: Benign for Methylmalonic aciduria due to methylmalonyl-CoA mutase deficiency. Last evaluated: 2018-03-06. Review status: criteria provided, single submitter. Criteria: ICSL Variant Classification Criteria 13 December 2019. Collection method: clinical testing. Allele origin: germline.
Comment: This variant was observed in the ICSL laboratory as part of a predisposition screen in an ostensibly healthy population. It had not been previously curated by ICSL or reported in the Human Gene Mutation Database (HGMD: prior to June 1st, 2018), and was therefore a candidate for classification through an automated scoring system. Utilizing variant allele frequency, disease prevalence and penetrance estimates, and inheritance mode, an automated score was calculated to assess if this variant is too frequent to cause the disease. Based on the score and internal cut-off values, a variant classified as benign is not then subjected to further curation. The score for this variant resulted in a classification of benign for this disease.

Genome Diagnostics Laboratory, University Medical Center Utrecht
Classification: Benign for Methylmalonic aciduria due to methylmalonyl-CoA mutase deficiency. Last evaluated: 2017-01-03. Review status: criteria provided, single submitter. Criteria: ACGS Guidelines, 2013. Collection method: clinical testing. Allele origin: germline. Affected: yes. Study: VKGL Data-share Consensus.

Laboratory for Molecular Medicine, Mass General Brigham Personalized Medicine
Classification: Benign. Last evaluated: 2016-03-28. Review status: criteria provided, single submitter. Criteria: LMM Criteria. Collection method: clinical testing. Allele origin: germline.
Comment: Variant identified in a genome or exome case(s) and assessed due to predicted null impact of the variant or pathogenic assertions in the literature or databases. Disclaimer: This variant has not undergone full assessment. The following are preliminary notes: 58% of total chromosomes in ExAC

Eurofins Ntd Llc (ga)
Classification: Benign. Last evaluated: 2013-03-28. Review status: criteria provided, single submitter. Criteria: EGL Classification Definitions 2015. Collection method: clinical testing. Allele origin: germline. Observed: 47 variant alleles, 23 heterozygotes, 24 homozygotes.

PreventionGenetics, part of Exact Sciences
Classification: Benign. Review status: criteria provided, single submitter. Criteria: ACMG Guidelines, 2015. Collection method: clinical testing. Allele origin: germline.

Natera, Inc.
Classification: Benign for Methylmalonic aciduria due to complete methylmalonyl-CoA mutase deficiency. Last evaluated: 2020-09-16. Review status: no assertion criteria provided. Collection method: clinical testing. Allele origin: germline. Not counted in ClinVar's aggregate classification.

Clinical Genetics, Academic Medical Center
Classification: Benign. Review status: no assertion criteria provided. Collection method: clinical testing. Allele origin: germline. Affected: yes. Study: VKGL Data-share Consensus. Not counted in ClinVar's aggregate classification.

Diagnostic Laboratory, Department of Genetics, University Medical Center Groningen
Classification: Benign for Methylmalonic aciduria due to methylmalonyl-CoA mutase deficiency. Review status: no assertion criteria provided. Collection method: clinical testing. Allele origin: germline. Affected: yes. Study: VKGL Data-share Consensus. Not counted in ClinVar's aggregate classification.

Joint Genome Diagnostic Labs from Nijmegen and Maastricht, Radboudumc and MUMC+
Classification: Benign. Review status: no assertion criteria provided. Collection method: clinical testing. Allele origin: germline. Affected: yes. Study: VKGL Data-share Consensus. Not counted in ClinVar's aggregate classification.